The following is an entry in ClinVar:

ClinVar aggregate classification (germline): Uncertain significance. Review status: criteria provided, multiple submitters, no conflicts (2 of 4 stars). 2 submissions from 2 submitters: Uncertain significance (2). Last evaluated 2025-10-22.

Conditions:
Hereditary cancer-predisposing syndrome. Also called: Neoplastic Syndromes, Hereditary; Tumor predisposition; Hereditary Cancer Syndrome; Hereditary neoplastic syndrome. Identifiers: Orphanet 140162, MedGen C0027672, MeSH D009386, MONDO:0015356.
Gastrointestinal stromal tumor. Also called: Gastrointestinal stromal tumor, somatic; Gastrointestinal stroma tumor. Identifiers: Orphanet 44890, MedGen C0238198, MeSH D046152, MONDO:0011719, OMIM 606764, HP:0100723.

Allele frequency attached by ClinVar (database versions not stated): gnomAD exomes below 0.00001.
gnomAD v4.1: 1 of 1,613,480 alleles (0.000062%); highest among the groups gnomAD compares: Non-Finnish European, 0.000085%; no homozygotes.

Submissions (2):

Ambry Genetics
Classification: Uncertain significance for Hereditary cancer-predisposing syndrome. Last evaluated: 2025-10-22. Review status: criteria provided, single submitter. Criteria: Ambry Variant Classification Scheme 2023. Collection method: clinical testing. Allele origin: germline.
Comment: The p.A273T variant (also known as c.817G>A), located in coding exon 5 of the KIT gene, results from a G to A substitution at nucleotide position 817. The alanine at codon 273 is replaced by threonine, an amino acid with similar properties. This amino acid position is conserved. In addition, this alteration is predicted to be tolerated by in silico analysis. Based on the available evidence, the clinical significance of this variant remains unclear.

Labcorp Genetics (formerly Invitae), Labcorp
Classification: Uncertain significance for Gastrointestinal stromal tumor. Last evaluated: 2024-01-03. Review status: criteria provided, single submitter. Criteria: Invitae Variant Classification Sherloc (09022015). Collection method: clinical testing. Allele origin: germline.
Comment: This sequence change replaces alanine, which is neutral and non-polar, with threonine, which is neutral and polar, at codon 273 of the KIT protein (p.Ala273Thr). This variant is present in population databases (rs769498440, gnomAD 0.0009%). This variant has not been reported in the literature in individuals affected with KIT-related conditions. ClinVar contains an entry for this variant (Variation ID: 653151). An algorithm developed to predict the effect of missense changes on protein structure and function (PolyPhen-2) suggests that this variant is likely to be tolerated. In summary, the available evidence is currently insufficient to determine the role of this variant in disease. Therefore, it has been classified as a Variant of Uncertain Significance.

NM_000222.3(KIT):c.817G>A (p.Ala273Thr)

Gene: KIT (KIT proto-oncogene, receptor tyrosine kinase; plus strand). Cytogenetic location: 4q12.
Variant type: single nucleotide variant.
Coding change: c.817G>A on transcript NM_000222.3 (MANE Select); coding-DNA position 817, G replaced by A.
Protein change: p.Ala273Thr; replaces alanine 273 with threonine.
Molecular consequence: missense variant.
Genome position (GRCh38, 1-based): chr4:54,703,784, G>A. VCF-style: chr4-54703784-G-A. GRCh37 (hg19) VCF-style: chr4-55569950-G-A.
Other names: c.817G>A, p.Ala273Thr (NM_001093772.2, NM_001385285.1, NM_001385286.1); c.820G>A, p.Ala274Thr (NM_001385284.1, NM_001385288.1, NM_001385290.1 and 1 more transcripts); short protein forms A273T, A274T.
Identifiers: ClinVar variation 653151 (VCV000653151.11), dbSNP rs769498440, ClinGen allele CA96852750.
Genomic context (GRCh38, chr4:54,703,784, plus strand): 5'-ACTAAACTACAGGAGAAATATAATAGCTGGCATCACGGTGACTTCAATTATGAACGTCAG[G>A]CAACGTTGACTATCAGTTCAGCGAGAGTTAATGATTCTGGAGTGTTCATGTGTTATGCCA-3'
Protein context (NP_000213.1, residues 263-283): HHGDFNYERQ[Ala273Thr]TLTISSARVN